The following is an entry in ClinVar:

ClinVar aggregate classification (germline): Uncertain significance (1 of 4 stars; one submission).

Submission:

CeGaT Center for Human Genetics Tuebingen
Classification: Uncertain significance. Last evaluated: 2022-03-01. Review status: criteria provided, single submitter. Criteria: CeGaT Center For Human Genetics Tuebingen Variant Classification Criteria Version 2. Collection method: clinical testing. Allele origin: germline. Affected: yes. Observed: 1 variant allele.
Comment: CACNA1G: PM2, PP2, PP3

NM_018896.5(CACNA1G):c.2390A>G (p.Tyr797Cys)

Gene: CACNA1G (calcium voltage-gated channel subunit alpha1 G; plus strand). Cytogenetic location: 17q21.33.
Variant type: single nucleotide variant.
Coding change: c.2390A>G on transcript NM_018896.5 (MANE Select); coding-DNA position 2390, A replaced by G.
Protein change: p.Tyr797Cys; replaces tyrosine 797 with cysteine.
Molecular consequence: missense variant. On other transcripts: non-coding transcript variant (5).
Genome position (GRCh38, 1-based): chr17:50,590,559, A>G. VCF-style: chr17-50590559-A-G. GRCh37 (hg19) VCF-style: chr17-48667920-A-G.
Other names: c.2390A>G, p.Tyr797Cys (NM_001256324.2, NM_001256325.2, NM_001256326.2 and 24 more transcripts); short protein forms Y797C.
Identifiers: ClinVar variation 2647906 (VCV002647906.24), dbSNP rs750348253, ClinGen allele CA400247997.